The following is an entry in ClinVar:

ClinVar aggregate classification (germline): Likely pathogenic (1 of 4 stars; one submission).

Conditions:
Autosomal dominant CACNA1A-related disorders.

Submission:

Variantyx, Inc.
Classification: Likely pathogenic for Autosomal dominant CACNA1A-related disorders. Last evaluated: 2025-11-23. Review status: criteria provided, single submitter. Criteria: Variantyx Assertion Criteria 2022. Collection method: clinical testing. Allele origin: germline. Inheritance: Autosomal dominant inheritance. Affected: yes.
Comment: This is a nonsense variant in the CACNA1A gene (OMIM: 601011). Pathogenic variants in this gene have been associated with autosomal dominant CACNA1A-related disorders. This variant introduces a premature termination codon in exon 34 out of 47 and is expected to result in loss of function, which is a known disease mechanism for CACNA1A in this disorder (PMID: 27250579, 25735478, 19486177, 10371528) (PVS1). This variant is absent from control populations (PM2) and it has not been reported in individuals with CACNA1A-related disorders in the databases available for review. Based on the current evidence, this variant is classified as likely pathogenic for autosomal dominant CACNA1A-related disorders.

Literature cited by the submitters: PubMed 27250579; PubMed 25735478; PubMed 19486177; PubMed 10371528.

NM_001127222.2(CACNA1A):c.5161G>T (p.Glu1721Ter)

Gene: CACNA1A (calcium voltage-gated channel subunit alpha1 A; minus strand). Cytogenetic location: 19p13.13.
Variant type: single nucleotide variant.
Coding change: c.5161G>T on transcript NM_001127222.2 (MANE Select); coding-DNA position 5161, G replaced by T.
Protein change: p.Glu1721Ter; replaces glutamic acid 1721 with a stop codon.
Molecular consequence: nonsense.
Genome position (GRCh38, 1-based): chr19:13,235,009, C>A on the plus strand (G>T on the coding strand, the complement: CACNA1A is on the minus strand). VCF-style: chr19-13235009-C-A. GRCh37 (hg19) VCF-style: chr19-13345823-C-A.
Other names: c.5179G>T, p.Glu1727Ter (NM_000068.4, NM_023035.3); c.5164G>T, p.Glu1722Ter (NM_001127221.2); c.5170G>T, p.Glu1724Ter (NM_001174080.2); short protein forms E1721*, E1722*, E1724*, E1727*.
Identifiers: ClinVar variation 4850769 (VCV004850769.1).